The following is an entry in ClinVar:

ClinVar aggregate classification (germline): Likely pathogenic. Review status: criteria provided, multiple submitters, no conflicts (2 of 4 stars). 2 submissions from 2 submitters: Likely pathogenic (2). Last evaluated 2025-05-01.

Conditions:
Hereditary cancer-predisposing syndrome. Also called: Hereditary neoplastic syndrome; Tumor predisposition; Hereditary Cancer Syndrome; Neoplastic Syndromes, Hereditary. Identifiers: Orphanet 140162, MedGen C0027672, MeSH D009386, MONDO:0015356.
Cardiovascular phenotype. Identifiers: MedGen CN230736.

Submissions (3):

Ambry Genetics
Classification: Likely pathogenic for Cardiovascular phenotype; Hereditary cancer-predisposing syndrome. Last evaluated: 2025-05-01. Review status: criteria provided, single submitter. Criteria: Ambry Variant Classification Scheme 2023. Collection method: clinical testing. Allele origin: germline.
Comment: The c.321-2A>T intronic variant results from an A to T substitution two nucleotides upstream from coding exon 4 in the LZTR1 gene. This variant is considered to be rare based on population cohorts in the Genome Aggregation Database (gnomAD). This nucleotide position is highly conserved in available vertebrate species. In silico splice site analysis predicts that this alteration will weaken the native splice acceptor site. Alterations that disrupt the canonical splice site are expected to cause aberrant splicing, resulting in an abnormal protein or a transcript that is subject to nonsense-mediated mRNA decay. Loss-of-function variants in LZTR1 are related to an increased risk for schwannomas and autosomal recessive Noonan syndrome; however, such associations with autosomal dominant Noonan syndrome have not been observed (Piotrowski A et al. Nat Genet. 2014 Feb;46:182-7; Yamamoto GL et al. J Med Genet. 2015 Jun;52:413-21; Johnston JJ et al. Genet Med. 2018 10;20:1175-1185). Based on the supporting evidence, this variant is likely pathogenic for an increased risk of LZTR1-related schwannomatosis (SWN) and would be expected to cause autosomal recessive Noonan syndrome when present along with a second pathogenic or likely pathogenic variant on the other allele; however, the association of this alteration with autosomal dominant Noonan syndrome is unlikely.

Labcorp Genetics (formerly Invitae), Labcorp
Classification: Likely pathogenic. Last evaluated: 2024-02-07. Review status: criteria provided, single submitter. Criteria: Invitae Variant Classification Sherloc (09022015). Collection method: clinical testing. Allele origin: germline.
Comment: This sequence change affects an acceptor splice site in intron 3 of the LZTR1 gene. It is expected to disrupt RNA splicing. Variants that disrupt the donor or acceptor splice site typically lead to a loss of protein function (PMID: 16199547), and loss-of-function variants in LZTR1 are known to be pathogenic (PMID: 24362817, 25335493, 25480913, 25795793, 29469822, 30368668, 30442762, 30442766, 30481304, 30859559). This variant is not present in population databases (gnomAD no frequency). Disruption of this splice site has been observed in individual(s) with schwannomatosis (PMID: 25008767). Algorithms developed to predict the effect of sequence changes on RNA splicing suggest that this variant may disrupt the consensus splice site. In summary, the currently available evidence indicates that the variant is pathogenic, but additional data are needed to prove that conclusively. Therefore, this variant has been classified as Likely Pathogenic.

Dr. Peter K. Rogan Lab, Western University
No classification provided (evidence only). Condition: Ovarian serous cystadenocarcinoma. Review status: no classification provided. Collection method: in vitro. Allele origin: not applicable. Functional consequence: retained intron. Not counted in ClinVar's aggregate classification.

Literature cited by the submitters: PubMed 16199547 (cited by Labcorp Genetics (formerly Invitae), Labcorp); PubMed 24362817 (cited by Labcorp Genetics (formerly Invitae), Labcorp); PubMed 25335493 (cited by Labcorp Genetics (formerly Invitae), Labcorp); PubMed 25480913 (cited by Labcorp Genetics (formerly Invitae), Labcorp); PubMed 25795793 (cited by Labcorp Genetics (formerly Invitae), Labcorp); PubMed 29469822 (cited by Labcorp Genetics (formerly Invitae), Labcorp); PubMed 30368668 (cited by Labcorp Genetics (formerly Invitae), Labcorp); PubMed 30442762 (cited by Labcorp Genetics (formerly Invitae), Labcorp); PubMed 30442766 (cited by Labcorp Genetics (formerly Invitae), Labcorp); PubMed 30481304 (cited by Labcorp Genetics (formerly Invitae), Labcorp); PubMed 30859559 (cited by Labcorp Genetics (formerly Invitae), Labcorp); PubMed 25008767 (cited by Labcorp Genetics (formerly Invitae), Labcorp).

NM_006767.4(LZTR1):c.321-2A>T

Gene: LZTR1 (leucine zipper like post translational regulator 1; plus strand). Cytogenetic location: 22q11.21.
Variant type: single nucleotide variant.
Coding change: c.321-2A>T on transcript NM_006767.4 (MANE Select); the canonical splice acceptor site of the intron before coding-DNA position 321, A replaced by T.
Molecular consequence: splice acceptor variant.
Genome position (GRCh38, 1-based): chr22:20,987,502, A>T. VCF-style: chr22-20987502-A-T. GRCh37 (hg19) VCF-style: chr22-21341791-A-T.
Other names: c.321-2A>T (NM_006767.3).
Identifiers: ClinVar variation 3639386 (VCV003639386.4).